The following is an entry in ClinVar:

ClinVar aggregate classification (germline): Conflicting classifications of pathogenicity. Review status: criteria provided, conflicting classifications (1 of 4 stars). 3 submissions from 3 submitters: Uncertain significance (2); Likely benign (1). Last evaluated 2025-12-29.

Conditions:
Hereditary cancer-predisposing syndrome. Also called: Hereditary neoplastic syndrome; Neoplastic Syndromes, Hereditary; Tumor predisposition; Hereditary Cancer Syndrome. Identifiers: Orphanet 140162, MedGen C0027672, MeSH D009386, MONDO:0015356.

Allele frequency attached by ClinVar (database versions not stated): gnomAD exomes 0.00001 and 0.00002; ExAC 0.00002; gnomAD 0.00005 and 0.00006; TOPMed 0.00007; 1000 Genomes Project 0.00020; 1000 Genomes Project 30x 0.00031.
gnomAD v4.1: 17 of 1,584,960 alleles (0.0011%); highest among the groups gnomAD compares: African/African-American, 0.016%; no homozygotes.

Submissions (3):

Center for Genomic Medicine, Rigshospitalet, Copenhagen University Hospital
Classification: Likely benign. Last evaluated: 2025-12-29. Review status: criteria provided, single submitter. Criteria: ACMG Guidelines, 2015. Collection method: clinical testing. Allele origin: germline.

Color Diagnostics, LLC DBA Color Health
Classification: Uncertain significance for Hereditary cancer-predisposing syndrome. Last evaluated: 2018-08-29. Review status: criteria provided, single submitter. Criteria: ACMG Guidelines, 2015. Collection method: clinical testing. Allele origin: germline.

GeneDx
Classification: Uncertain significance. Last evaluated: 2018-06-12. Review status: criteria provided, single submitter. Criteria: GeneDx Variant Classification (06012015). Collection method: clinical testing. Allele origin: germline. Affected: yes.
Comment: This variant is denoted BMPR1A c.-20G>A, and describes a nucleotide substitution 20 base pairs upstream of the BMPR1A ATG translational start site in the 5' untranslated region (UTR). This variant has not, to our knowledge, been published in the literature as being pathogenic or benign. The surrounding sequence, with the base that is substituted in brackets, is CACA[G/A]GAAA. This variant was observed at an allele frequency of 0.019% (2/10,372) in individuals of African ancestry in large population cohorts (NHLBI Exome Sequencing Project, The 1000 Genomes Consortium 2015, Lek 2016). The guanine (G) nucleotide that is altered is conserved across species. At this time, we consider BMPR1A c.-20G>A to be a variant of uncertain significance.

NM_004329.3(BMPR1A):c.-20G>A

Gene: BMPR1A (bone morphogenetic protein receptor type 1A; plus strand). Cytogenetic location: 10q23.2.
Variant type: single nucleotide variant.
Coding change: c.-20G>A on transcript NM_004329.3 (MANE Select); 20 bases upstream of the start codon, G replaced by A.
Molecular consequence: 5 prime UTR variant.
Genome position (GRCh38, 1-based): chr10:86,875,999, G>A. VCF-style: chr10-86875999-G-A. GRCh37 (hg19) VCF-style: chr10-88635756-G-A.
Identifiers: ClinVar variation 246071 (VCV000246071.5), dbSNP rs528738896, ClinGen allele CA5585402.